The following is an entry in ClinVar:

NM_004370.6(COL12A1):c.2870C>A (p.Ala957Glu)

Gene: COL12A1 (collagen type XII alpha 1 chain; minus strand). Cytogenetic location: 6q13.
Variant type: single nucleotide variant.
Coding change: c.2870C>A on transcript NM_004370.6 (MANE Select); coding-DNA position 2870, C replaced by A.
Protein change: p.Ala957Glu; replaces alanine 957 with glutamic acid.
Molecular consequence: missense variant. On other transcripts: intron variant (1).
Genome position (GRCh38, 1-based): chr6:75,165,620, G>T on the plus strand (C>A on the coding strand, the complement: COL12A1 is on the minus strand). VCF-style: chr6-75165620-G-T. GRCh37 (hg19) VCF-style: chr6-75875336-G-T.
Other names: c.74-13138C>A (NM_080645.3); short protein forms A957E.
Identifiers: ClinVar variation 1034980 (VCV001034980.34), dbSNP rs1236232001, ClinGen allele CA364757982.

ClinVar aggregate classification (germline): Uncertain significance. Review status: criteria provided, multiple submitters, no conflicts (2 of 4 stars). 3 submissions from 3 submitters: Uncertain significance (3). Last evaluated 2025-09-22.

Conditions:
Ullrich congenital muscular dystrophy 2 (UCMD2). Identifiers: Orphanet 75840, MedGen C4225314, MONDO:0014654, OMIM 616470.
Bethlem myopathy 2 (BTHLM2). Identifiers: Orphanet 536516, Orphanet 610, MedGen C4225313, MONDO:0034022, OMIM 616471.

Allele frequency attached by ClinVar (database versions not stated): gnomAD exomes below 0.00001.
gnomAD v4.1: 3 of 1,613,926 alleles (0.00019%); highest among the groups gnomAD compares: Non-Finnish European, 0.00025%; no homozygotes.

Submissions (3):

Labcorp Genetics (formerly Invitae), Labcorp
Classification: Uncertain significance for Bethlem myopathy 2; Ullrich congenital muscular dystrophy 2. Last evaluated: 2025-09-22. Review status: criteria provided, single submitter. Criteria: Invitae Variant Classification Sherloc (09022015). Collection method: clinical testing. Allele origin: germline.
Comment: This sequence change replaces alanine, which is neutral and non-polar, with glutamic acid, which is acidic and polar, at codon 957 of the COL12A1 protein (p.Ala957Glu). This variant is present in population databases (no rsID available, gnomAD 0.0009%). This variant has not been reported in the literature in individuals affected with COL12A1-related conditions. ClinVar contains an entry for this variant (Variation ID: 1034980). Invitae Evidence Modeling of protein sequence and biophysical properties (such as structural, functional, and spatial information, amino acid conservation, physicochemical variation, residue mobility, and thermodynamic stability) indicates that this missense variant is not expected to disrupt COL12A1 protein function with a negative predictive value of 80%. In summary, the available evidence is currently insufficient to determine the role of this variant in disease. Therefore, it has been classified as a Variant of Uncertain Significance.

CeGaT Center for Human Genetics Tuebingen
Classification: Uncertain significance. Last evaluated: 2024-01-01. Review status: criteria provided, single submitter. Criteria: CeGaT Center For Human Genetics Tuebingen Variant Classification Criteria Version 2. Collection method: clinical testing. Allele origin: germline. Affected: yes. Observed: 1 variant allele.
Comment: COL12A1: PM2, BP4

GeneDx
Classification: Uncertain significance. Last evaluated: 2019-10-12. Review status: criteria provided, single submitter. Criteria: GeneDx Variant Classification Process June 2021. Collection method: clinical testing. Allele origin: germline. Affected: yes.
Comment: Not observed at a significant frequency in large population cohorts (Lek et al., 2016); In silico analysis, which includes protein predictors and evolutionary conservation, supports that this variant does not alter protein structure/function; Has not been previously published as pathogenic or benign to our knowledge